The following is an entry in ClinVar:

ClinVar aggregate classification (germline): Uncertain significance (1 of 4 stars; one submission).

Conditions:
Immunodeficiency. Identifiers: MedGen C0021051, MONDO:0021094, HP:0002721.

Submission:

Labcorp Genetics (formerly Invitae), Labcorp
Classification: Uncertain significance for Immunodeficiency. Last evaluated: 2024-10-11. Review status: criteria provided, single submitter. Criteria: Invitae Variant Classification Sherloc (09022015). Collection method: clinical testing. Allele origin: germline.
Comment: This sequence change replaces leucine, which is neutral and non-polar, with valine, which is neutral and non-polar, at codon 351 of the NFAT5 protein (p.Leu351Val). This variant is not present in population databases (gnomAD no frequency). This variant has not been reported in the literature in individuals affected with NFAT5-related conditions. An algorithm developed to predict the effect of missense changes on protein structure and function (PolyPhen-2) suggests that this variant is likely to be disruptive. In summary, the available evidence is currently insufficient to determine the role of this variant in disease. Therefore, it has been classified as a Variant of Uncertain Significance.

NM_138713.4(NFAT5):c.1333T>G (p.Leu445Val)

Gene: NFAT5 (nuclear factor of activated T cells 5; plus strand). Cytogenetic location: 16q22.1.
Variant type: single nucleotide variant.
Coding change: c.1333T>G on transcript NM_138713.4 (MANE Select); coding-DNA position 1333, T replaced by G.
Protein change: p.Leu445Val; replaces leucine 445 with valine.
Molecular consequence: missense variant.
Genome position (GRCh38, 1-based): chr16:69,659,863, T>G. VCF-style: chr16-69659863-T-G. GRCh37 (hg19) VCF-style: chr16-69693766-T-G.
Other names: c.661T>G, p.Leu221Val (NM_001367709.1); c.1279T>G, p.Leu427Val (NM_006599.4); c.1051T>G, p.Leu351Val (NM_138714.4, NM_173214.3, NM_173215.3); c.1333T>G, p.Leu445Val (NM_001113178.3); short protein forms L445V, L351V, L427V, L221V.
Identifiers: ClinVar variation 3722716 (VCV003722716.2).